The following is an entry in ClinVar:

NM_022841.7(RFX7):c.2914T>A (p.Ser972Thr)

Gene: RFX7 (regulatory factor X7; minus strand). Cytogenetic location: 15q21.3.
Variant type: single nucleotide variant.
Coding change: c.2914T>A on transcript NM_022841.7 (MANE Select); coding-DNA position 2914, T replaced by A.
Protein change: p.Ser972Thr; replaces serine 972 with threonine.
Molecular consequence: missense variant.
Genome position (GRCh38, 1-based): chr15:56,094,814, A>T on the plus strand (T>A on the coding strand, the complement: RFX7 is on the minus strand). VCF-style: chr15-56094814-A-T. GRCh37 (hg19) VCF-style: chr15-56387012-A-T.
Other names: c.2623T>A, p.Ser875Thr (NM_001368073.2, NM_001368074.1, NM_001370554.1); c.2914T>A, p.Ser972Thr (NM_001370561.1); short protein forms S875T, S972T.
Identifiers: ClinVar variation 2631522 (VCV002631522.1), dbSNP rs2504987507, ClinGen allele CA392578069.
Genomic context (GRCh38, chr15:56,094,814, plus strand): 5'-TATCCACAGGTGTAGTCTGGGCTAGCCTGGAGCAAGGGCTCTCCCGTGACAGACTCTGAG[A>T]TCCAGCAATCATTTCAGATGTCGGGGTTGGGGTTGGGGTTGGAGTAGGAGTGGGTGTGGG-3'
Protein context (NP_073752.6, residues 962-982): PTPTSEMIAG[Ser972Thr]QSLSRESPCS

ClinVar aggregate classification (germline): Uncertain significance (1 of 4 stars; one submission).

Conditions:
RFX7-related disorder. Also called: RFX7-related condition.

Allele frequency attached by ClinVar (database versions not stated): gnomAD exomes below 0.00001.
gnomAD v4.1: 1 of 1,584,702 alleles (0.000063%); highest among the groups gnomAD compares: Non-Finnish European, 0.000086%; no homozygotes.

Submission:

PreventionGenetics, part of Exact Sciences
Classification: Uncertain significance for RFX7-related condition. Last evaluated: 2023-08-24. Review status: criteria provided, single submitter. Criteria: ACMG Guidelines, 2015. Collection method: clinical testing. Allele origin: germline.
Comment: The RFX7 c.2914T>A variant is predicted to result in the amino acid substitution p.Ser972Thr. To our knowledge, this variant has not been reported in the literature or in a large population database, indicating this variant is rare. At this time, the clinical significance of this variant is uncertain due to the absence of conclusive functional and genetic evidence.